The following is an entry in ClinVar:

NM_020693.4(DSCAML1):c.347A>G (p.Asn116Ser)

Gene: DSCAML1 (DS cell adhesion molecule like 1; minus strand). Cytogenetic location: 11q23.3.
Variant type: single nucleotide variant.
Coding change: c.347A>G on transcript NM_020693.4 (MANE Select); coding-DNA position 347, A replaced by G.
Protein change: p.Asn116Ser; replaces asparagine 116 with serine.
Molecular consequence: missense variant. On other transcripts: 5 prime UTR variant (1).
Genome position (GRCh38, 1-based): chr11:117,780,510, T>C on the plus strand (A>G on the coding strand, the complement: DSCAML1 is on the minus strand). VCF-style: chr11-117780510-T-C. GRCh37 (hg19) VCF-style: chr11-117651225-T-C.
Other names: c.347A>G, p.Asn116Ser (NM_001367904.1); c.-62A>G (NM_001367905.1); short protein forms N116S.
Identifiers: ClinVar variation 3688972 (VCV003688972.2).

ClinVar aggregate classification (germline): Uncertain significance (1 of 4 stars; one submission).

gnomAD v4.1: 7 of 1,449,616 alleles (0.00048%); highest among the groups gnomAD compares: Non-Finnish European, 0.00064%; no homozygotes.

Submission:

Labcorp Genetics (formerly Invitae), Labcorp
Classification: Uncertain significance. Last evaluated: 2024-07-23. Review status: criteria provided, single submitter. Criteria: Invitae Variant Classification Sherloc (09022015). Collection method: clinical testing. Allele origin: germline.
Comment: This sequence change replaces asparagine, which is neutral and polar, with serine, which is neutral and polar, at codon 176 of the DSCAML1 protein (p.Asn176Ser). This variant is not present in population databases (gnomAD no frequency). This variant has not been reported in the literature in individuals affected with DSCAML1-related conditions. An algorithm developed to predict the effect of missense changes on protein structure and function (PolyPhen-2) suggests that this variant is likely to be tolerated. In summary, the available evidence is currently insufficient to determine the role of this variant in disease. Therefore, it has been classified as a Variant of Uncertain Significance.